The following is an entry in ClinVar:

ClinVar aggregate classification (germline): Pathogenic (1 of 4 stars; one submission).

Submission:

Labcorp Genetics (formerly Invitae), Labcorp
Classification: Pathogenic. Last evaluated: 2022-09-18. Review status: criteria provided, single submitter. Criteria: Invitae Variant Classification Sherloc (09022015). Collection method: clinical testing. Allele origin: germline.
Comment: This variant has not been reported in the literature in individuals affected with CDH23-related conditions. For these reasons, this variant has been classified as Pathogenic. This variant is not present in population databases (gnomAD no frequency). This sequence change creates a premature translational stop signal (p.Ala2187Thrfs*6) in the CDH23 gene. It is expected to result in an absent or disrupted protein product. Loss-of-function variants in CDH23 are known to be pathogenic (PMID: 11138009, 21940737).

Literature cited by the submitters: PubMed 11138009; PubMed 21940737.

NM_022124.6(CDH23):c.6526_6557dup (p.Ser2186_Ala2187insThrProSerArgGlnTer)

Gene: CDH23 (cadherin related 23; plus strand). Cytogenetic location: 10q22.1.
Variant type: Duplication.
Coding change: c.6526_6557dup on transcript NM_022124.6 (MANE Select); coding-DNA positions 6526 to 6557, 32 bases duplicated.
Protein change: p.Ser2186_Ala2187insThrProSerArgGlnTer.
Molecular consequence: nonsense, inframe insertion.
Genome position (GRCh38, 1-based): chr10:71,793,454-71,793,485, 32 bases duplicated; duplicating any 32 consecutive bases within chr10:71,793,452-71,793,485 gives the same sequence; the c. name uses the placement nearest the transcript's 3' end. GRCh37 (hg19): chr10:73,553,211-73,553,242.
Identifiers: ClinVar variation 2029534 (VCV002029534.4), dbSNP rs2494385188, ClinGen allele CA2580081866.